The following is an entry in ClinVar:

ClinVar aggregate classification (germline): Likely benign (1 of 4 stars; one submission).

Submission:

CeGaT Center for Human Genetics Tuebingen
Classification: Likely benign. Last evaluated: 2026-01-01. Review status: criteria provided, single submitter. Criteria: CeGaT Center For Human Genetics Tuebingen Variant Classification Criteria Version 2. Collection method: clinical testing. Allele origin: germline. Affected: yes. Observed: 1 variant allele.
Comment: PTCH2: PM2:Supporting, BP4, BP7

NM_003738.5(PTCH2):c.2763A>C (p.Ala921=)

Gene: PTCH2 (patched 2; minus strand). Cytogenetic location: 1p34.1.
Variant type: single nucleotide variant.
Coding change: c.2763A>C on transcript NM_003738.5 (MANE Select); coding-DNA position 2763, A replaced by C.
Protein change: p.Ala921=; no amino-acid change (alanine 921 retained).
Molecular consequence: synonymous variant.
Genome position (GRCh38, 1-based): chr1:44,826,701, T>G on the plus strand (A>C on the coding strand, the complement: PTCH2 is on the minus strand). VCF-style: chr1-44826701-T-G. GRCh37 (hg19) VCF-style: chr1-45292373-T-G.
Other names: c.2763A>C, p.Ala921= (NM_001166292.2).
Identifiers: ClinVar variation 4823028 (VCV004823028.4).